The following is an entry in ClinVar:

ClinVar aggregate classification (germline): Uncertain significance (1 of 4 stars; one submission).

Conditions:
Familial thoracic aortic aneurysm and aortic dissection (TAAD). Also called: Thoracic aortic aneurysms and dissections. Identifiers: Orphanet 91387, MedGen C4707243, MONDO:0019625.

Submission:

Color Diagnostics, LLC DBA Color Health
Classification: Uncertain significance for Familial thoracic aortic aneurysm and aortic dissection. Last evaluated: 2023-12-05. Review status: criteria provided, single submitter. Criteria: ACMG Guidelines, 2015. Collection method: clinical testing. Allele origin: germline.
Comment: This missense variant replaces glutamine with arginine at codon 669 of the FBN1 protein. Computational prediction tools and conservation analyses are inconclusive regarding the impact of this variant on the protein function. Computational splicing tools suggest that this variant may not impact RNA splicing. To our knowledge, functional assays have not been performed for this variant nor has this variant been reported in individuals affected with cardiovascular disorders in the literature. This variant has not been identified in the general population by the Genome Aggregation Database (gnomAD). Available evidence is insufficient to determine the role of this variant in disease conclusively. Therefore, this variant is classified as a Variant of Uncertain Significance.

NM_000138.5(FBN1):c.2006A>G (p.Gln669Arg)

Gene: FBN1 (fibrillin 1; minus strand). Cytogenetic location: 15q21.1.
Variant type: single nucleotide variant.
Coding change: c.2006A>G on transcript NM_000138.5 (MANE Select); coding-DNA position 2006, A replaced by G.
Protein change: p.Gln669Arg; replaces glutamine 669 with arginine.
Molecular consequence: missense variant.
Genome position (GRCh38, 1-based): chr15:48,503,894, T>C on the plus strand (A>G on the coding strand, the complement: FBN1 is on the minus strand). VCF-style: chr15-48503894-T-C. GRCh37 (hg19) VCF-style: chr15-48796091-T-C.
Other names: short protein forms Q669R.
Identifiers: ClinVar variation 926753 (VCV000926753.5), dbSNP rs939784046, ClinGen allele CA392338615.